The following is an entry in ClinVar:

ClinVar aggregate classification (germline): Likely pathogenic. Review status: criteria provided, multiple submitters, no conflicts (2 of 4 stars). 3 submissions from 3 submitters: Likely pathogenic (3). Last evaluated 2024-08-07.

Conditions:
Renal tubular acidosis, distal, 3, with or without sensorineural hearing loss (DRTA3). Identifiers: MedGen C5399980, MONDO:0011268, OMIM 602722.
ATP6V0A4-related disorder. Also called: ATP6V0A4-related condition.

Allele frequency attached by ClinVar (database versions not stated): TOPMed below 0.00001; gnomAD exomes 0.00001; ExAC 0.00002.
gnomAD v4.1: 14 of 1,612,344 alleles (0.00087%); highest among the groups gnomAD compares: Admixed American, 0.0033%; no homozygotes.

Submissions (3):

3billion
Classification: Likely pathogenic for Renal tubular acidosis, distal, 3, with or without sensorineural hearing loss. Last evaluated: 2024-08-07. Review status: criteria provided, single submitter. Criteria: ACMG Guidelines, 2015. Collection method: clinical testing. Allele origin: germline. Affected: yes.
Comment: The variant is observed at an extremely low frequency in the gnomAD v4.0.0 dataset (total allele frequency: <0.001%). Predicted Consequence/Location: Missense variant In silico tool predictions suggest damaging effect of the variant on gene or gene product [REVEL: 0.95 (>=0.6, sensitivity 0.68 and specificity 0.92); 3Cnet: 0.95 (>=0.6, sensitivity 0.72 and precision 0.9)]. The same nucleotide change resulting in the same amino acid change has been previously reported to be associated with ATP6V0A4-related disorder (ClinVar ID: VCV002631844 /PMID: 27247958). The variant has been observed in at least two similarly affected unrelated individuals (PMID: 27247958, 34997822). The variant has been reported to be in trans with a pathogenic variant as either compound heterozygous or homozygous in at least one similarly affected unrelated individual (PMID: 27247958, 34997822). Therefore, this variant is classified as Likely pathogenic according to the recommendation of ACMG/AMP guideline.

PreventionGenetics, part of Exact Sciences
Classification: Likely pathogenic for ATP6V0A4-related condition. Last evaluated: 2023-08-06. Review status: criteria provided, single submitter. Criteria: ACMG Guidelines, 2015. Collection method: clinical testing. Allele origin: germline.
Comment: The ATP6V0A4 c.2227C>T variant is predicted to result in the amino acid substitution p.Arg743Trp. This variant was reported in the homozygous or compound heterozygous state in two individuals with clinical features of distal renal tubular acidosis (Escobar et al. 2016. PubMed ID: 27247958; Said et al. 2022. PubMed ID: 34997822). This variant is reported in 0.0058% of alleles in individuals of Latino descent in gnomAD. This variant is interpreted as likely pathogenic.

Juno Genomics, Hangzhou Juno Genomics, Inc
Classification: Likely pathogenic for Renal tubular acidosis, distal, 3, with or without sensorineural hearing loss. Review status: criteria provided, single submitter. Criteria: ACMG Guidelines, 2015. Collection method: clinical testing. Allele origin: germline. Affected: yes.
Comment: Absent from controls (or at extremely low frequency if recessive) in Genome Aggregation Database, Exome Sequencing Project, 1000 Genomes Project, or Exome Aggregation Consortium.;Multiple lines of computational evidence support a deleterious effect on the gene or gene product (conservation, evolutionary, splicing impact, etc).;For recessive disorders, detected in trans with a pathogenic variant.;Patient's phenotype or family history is highly specific for a disease with a single genetic etiology.

Literature cited by the submitters: PubMed 34997822 (cited by 3billion); PubMed 27247958 (cited by 3billion).

NM_020632.3(ATP6V0A4):c.2227C>T (p.Arg743Trp)

Gene: ATP6V0A4 (ATPase H+ transporting V0 subunit a4; minus strand). Cytogenetic location: 7q34.
Variant type: single nucleotide variant.
Coding change: c.2227C>T on transcript NM_020632.3 (MANE Select); coding-DNA position 2227, C replaced by T.
Protein change: p.Arg743Trp; replaces arginine 743 with tryptophan.
Molecular consequence: missense variant.
Genome position (GRCh38, 1-based): chr7:138,715,794, G>A on the plus strand (C>T on the coding strand, the complement: ATP6V0A4 is on the minus strand). VCF-style: chr7-138715794-G-A. GRCh37 (hg19) VCF-style: chr7-138400539-G-A.
Other names: c.2227C>T, p.Arg743Trp (NM_130840.3, NM_130841.3); short protein forms R743W.
Identifiers: ClinVar variation 2631844 (VCV002631844.5), dbSNP rs770052600, ClinGen allele CA4504497.